The following is an entry in ClinVar:

ClinVar aggregate classification (germline): Uncertain significance (1 of 4 stars; one submission).

Submission:

GeneDx
Classification: Uncertain significance. Last evaluated: 2026-02-15. Review status: criteria provided, single submitter. Criteria: GeneDx Variant Classification Process June 2021. Collection method: clinical testing. Allele origin: germline.
Comment: Not observed at significant frequency in large population cohorts (gnomAD); In silico analysis supports that this missense variant has a deleterious effect on protein structure/function; Has not been previously published as pathogenic or benign to our knowledge

NM_000827.4(GRIA1):c.1244T>A (p.Leu415Gln)

Gene: GRIA1 (glutamate ionotropic receptor AMPA type subunit 1; plus strand). Cytogenetic location: 5q33.2.
Variant type: single nucleotide variant.
Coding change: c.1244T>A on transcript NM_000827.4 (MANE Select); coding-DNA position 1244, T replaced by A.
Protein change: p.Leu415Gln; replaces leucine 415 with glutamine.
Molecular consequence: missense variant. On other transcripts: non-coding transcript variant (2).
Genome position (GRCh38, 1-based): chr5:153,698,153, T>A. VCF-style: chr5-153698153-T-A. GRCh37 (hg19) VCF-style: chr5-153077713-T-A.
Other names: c.1244T>A, p.Leu415Gln (NM_001114183.2); c.1004T>A, p.Leu335Gln (NM_001258019.2); c.959T>A, p.Leu320Gln (NM_001258020.2); c.1274T>A, p.Leu425Gln (NM_001258021.2, NM_001258022.2); c.1037T>A, p.Leu346Gln (NM_001258023.1, NM_001364167.2); c.1076T>A, p.Leu359Gln (NM_001364165.2); c.1271T>A, p.Leu424Gln (NM_001364166.2); short protein forms L320Q, L335Q, L346Q, L359Q, L415Q, L424Q, L425Q.
Identifiers: ClinVar variation 4976353 (VCV004976353.1).